The following is an entry in ClinVar:

ClinVar aggregate classification (germline): Likely benign. Review status: criteria provided, single submitter (1 of 4 stars). 2 submissions from 2 submitters: Likely benign (1). 1 of the submissions does not count toward it. Last evaluated 2023-11-15.

Conditions:
AP1B1-related disorder. Also called: AP1B1-related condition.
Inborn genetic diseases. Identifiers: MedGen C0950123, MeSH D030342.

Allele frequency attached by ClinVar (database versions not stated): gnomAD 0.00101; TOPMed 0.00119; 1000 Genomes Project 0.00120; 1000 Genomes Project 30x 0.00125; ESP Exome Variant Server 0.00138; ExAC 0.00152; gnomAD exomes 0.00181.
gnomAD v4.1: 2,785 of 1,613,628 alleles (0.17%); highest among the groups gnomAD compares: Non-Finnish European, 0.21%; 2 homozygotes.

Submissions (2):

Ambry Genetics
Classification: Likely benign for Inborn genetic diseases. Last evaluated: 2023-11-15. Review status: criteria provided, single submitter. Criteria: Ambry Variant Classification Scheme 2023. Collection method: clinical testing. Allele origin: germline.

PreventionGenetics, part of Exact Sciences
Classification: Likely benign for AP1B1-related condition. Last evaluated: 2022-10-17. Review status: no assertion criteria provided. Collection method: clinical testing. Allele origin: germline. Not counted in ClinVar's aggregate classification.
Comment: This variant is classified as likely benign based on ACMG/AMP sequence variant interpretation guidelines (Richards et al. 2015 PMID: 25741868, with internal and published modifications).

NM_001127.4(AP1B1):c.2738G>A (p.Arg913Gln)

Gene: AP1B1 (adaptor related protein complex 1 subunit beta 1; minus strand). Cytogenetic location: 22q12.2.
Variant type: single nucleotide variant.
Coding change: c.2738G>A on transcript NM_001127.4 (MANE Select); coding-DNA position 2738, G replaced by A.
Protein change: p.Arg913Gln; replaces arginine 913 with glutamine.
Molecular consequence: missense variant.
Genome position (GRCh38, 1-based): chr22:29,330,406, C>T on the plus strand (G>A on the coding strand, the complement: AP1B1 is on the minus strand). VCF-style: chr22-29330406-C-T. GRCh37 (hg19) VCF-style: chr22-29726395-C-T.
Other names: c.2657G>A, p.Arg886Gln (NM_001166019.2); c.2738G>A, p.Arg913Gln (NM_001378562.1); c.2717G>A, p.Arg906Gln (NM_001378563.1, NM_145730.3); c.2567G>A, p.Arg856Gln (NM_001378564.1); c.2546G>A, p.Arg849Gln (NM_001378565.1); c.2531G>A, p.Arg844Gln (NM_001378566.1); short protein forms R844Q, R849Q, R856Q, R886Q, R906Q, R913Q.
Identifiers: ClinVar variation 3039348 (VCV003039348.3), dbSNP rs142354304, ClinGen allele CA10172707.
Genomic context (GRCh38, chr22:29,330,406, plus strand): 5'-CAAGGCTGCAGGGCGGGTGCCGGGGCTCTCACCGTGCAGCTGGGGTTGCCCGGCTGGATC[C>T]GCAGCTCCGCCAGCACCCAGATGCCGTTGGTCAGCTTCAGGGACTGGTAGAGCATGTCCT-3'
Protein context (NP_001118.3, residues 903-923): TNGIWVLAEL[Arg913Gln]IQPGNPSCTD